The following is an entry in ClinVar:

ClinVar aggregate classification (germline): Pathogenic. Review status: criteria provided, multiple submitters, no conflicts (2 of 4 stars). 16 submissions from 14 submitters: Pathogenic (14). 2 of the submissions do not count toward it. Last evaluated 2025-11-19.

Conditions:
ATM-related disorder. Also called: ATM-related disorders; ATM-related condition.
Hereditary cancer-predisposing syndrome. Also called: Neoplastic Syndromes, Hereditary; Hereditary Cancer Syndrome; Tumor predisposition; Hereditary neoplastic syndrome. Identifiers: Orphanet 140162, MedGen C0027672, MeSH D009386, MONDO:0015356.
Familial cancer of breast. Also called: Hereditary breast cancer; BREAST CANCER, FAMILIAL; hereditary breast carcinoma. Identifiers: Orphanet 227535, MedGen C0346153, MONDO:0016419, OMIM 114480. Disease mechanism: loss of function.
Ataxia-telangiectasia syndrome (AT). Also called: LOUIS-BAR SYNDROME; Cerebello-oculocutaneous telangiectasia; Immunodeficiency with ataxia telangiectasia; Ataxia-telangiectasia, complementation group D; AT, COMPLEMENTATION GROUP C; Ataxia-telangiectasia, complementation group E. Identifiers: Orphanet 100, MedGen C0004135, MONDO:0008840, OMIM 208900.
Breast and/or ovarian cancer. Identifiers: MedGen CN221562.
Malignant tumor of breast. Also called: Malignant breast neoplasm; Cancer breast. Identifiers: MedGen C0006142, MONDO:0007254. Disease mechanism: loss of function.

Submissions (16):

Labcorp Genetics (formerly Invitae), Labcorp
Classification: Pathogenic for Ataxia-telangiectasia syndrome. Last evaluated: 2025-11-19. Review status: criteria provided, single submitter. Criteria: Invitae Variant Classification Sherloc (09022015). Collection method: clinical testing. Allele origin: germline.
Comment: This sequence change creates a premature translational stop signal (p.Val2886Cysfs*10) in the ATM gene. It is expected to result in an absent or disrupted protein product. Loss-of-function variants in ATM are known to be pathogenic (PMID: 23807571, 25614872). This variant is present in population databases (rs753961188, gnomAD 0.004%). This premature translational stop signal has been observed in individual(s) with ataxia-telangiectasia (PMID: 27873105). In at least one individual the data is consistent with being in trans (on the opposite chromosome) from a pathogenic variant. This variant is also known as c.8653_8654insT. ClinVar contains an entry for this variant (Variation ID: 420694). For these reasons, this variant has been classified as Pathogenic.

Ambry Genetics
Classification: Pathogenic for Hereditary cancer-predisposing syndrome. Last evaluated: 2025-03-27. Review status: criteria provided, single submitter. Criteria: Ambry Variant Classification Scheme 2023. Collection method: clinical testing. Allele origin: germline.
Comment: The c.8655dupT pathogenic mutation, located in coding exon 58 of the ATM gene, results from a duplication of T at nucleotide position 8655, causing a translational frameshift with a predicted alternate stop codon (p.V2886Cfs*10). This alteration has been identified in individuals diagnosed with pancreatic, thyroid, kidney, breast and prostate cancers (Hu C et al. JAMA, 2018 06;319:2401-2409; Hartman TR et al. Sci Rep, 2020 08;10:13518; Yadav S et al. J Clin Oncol, 2020 05;38:1409-1418; Karlsson Q et al. Eur Urol Oncol, 2021 Aug;4:570-579; Lerner-Ellis J et al. J Cancer Res Clin Oncol, 2021 Mar;147:871-879). In addition to the clinical data presented in the literature, this alteration is expected to result in loss of function by premature protein truncation or nonsense-mediated mRNA decay. As such, this alteration is interpreted as a disease-causing mutation.

Center for Genomic Medicine, Rigshospitalet, Copenhagen University Hospital
Classification: Pathogenic. Last evaluated: 2025-03-04. Review status: criteria provided, single submitter. Criteria: ACMG Guidelines, 2015. Collection method: clinical testing. Allele origin: germline.

Fulgent Genetics
Classification: Pathogenic for Familial cancer of breast; Ataxia-telangiectasia syndrome. Last evaluated: 2024-03-26. Review status: criteria provided, single submitter. Criteria: ACMG Guidelines, 2015. Collection method: clinical testing. Allele origin: germline.

Myriad Genetics, Inc.
Classification: Pathogenic for Familial cancer of breast. Last evaluated: 2024-02-05. Review status: criteria provided, single submitter. Criteria: Myriad Autosomal Dominant, Autosomal Recessive and X-Linked Classification Criteria (2023). Collection method: clinical testing. Allele origin: unknown.
Comment: This variant is considered pathogenic. This variant creates a frameshift predicted to result in premature protein truncation.

Baylor Genetics
Classification: Pathogenic for Familial cancer of breast. Last evaluated: 2023-03-14. Review status: criteria provided, single submitter. Criteria: ACMG Guidelines, 2015. Collection method: clinical testing. Allele origin: unknown.

Clinical Genetics Laboratory, Skane University Hospital Lund
Classification: Pathogenic. Last evaluated: 2023-03-13. Review status: criteria provided, single submitter. Criteria: ACMG Guidelines, 2015. Collection method: clinical testing. Allele origin: germline. Affected: yes.

Blueprint Genetics
Classification: Pathogenic for ATM-related disorders. Last evaluated: 2023-01-26. Review status: criteria provided, single submitter. Criteria: ACMG Guidelines, 2015. Collection method: clinical testing. Allele origin: germline. Affected: yes. Observed: 2 variant alleles.

Color Diagnostics, LLC DBA Color Health
Classification: Pathogenic for Hereditary cancer-predisposing syndrome. Last evaluated: 2020-10-12. Review status: criteria provided, single submitter. Criteria: ACMG Guidelines, 2015. Collection method: clinical testing. Allele origin: germline.
Comment: This variant (also known as c.8653_8654insT) inserts 1 nucleotide in exon 59 of the ATM gene, creating a frameshift and premature translation stop signal. This variant is expected to result in an absent or non-functional protein product. This variant has been reported in a child affected with autosomal recessive ataxia-telangiectasia in compound heterozygous state with other pathogenic variant (PMID: 27873105), indicating that this variant contributes to disease.This variant has been identified in 5/250320 chromosomes in the general population by the Genome Aggregation Database (gnomAD). Loss of ATM function is a known mechanism of disease. Based on the available evidence, this variant is classified as Pathogenic.

CHEO Genetics Diagnostic Laboratory, Children's Hospital of Eastern Ontario
Classification: Pathogenic for Breast and/or ovarian cancer. Last evaluated: 2020-01-28. Review status: criteria provided, single submitter. Criteria: ACMG Guidelines, 2015. Collection method: clinical testing. Allele origin: germline.

Clinical Genetics and Genomics, Karolinska University Hospital
Classification: Pathogenic. Last evaluated: 2019-03-27. Review status: criteria provided, single submitter. Criteria: ACMG Guidelines, 2015. Collection method: clinical testing. Allele origin: germline. Affected: yes. Observed: 2 variant alleles.

GeneDx
Classification: Pathogenic. Last evaluated: 2019-01-09. Review status: criteria provided, single submitter. Criteria: GeneDx Variant Classification (06012015). Collection method: clinical testing. Allele origin: germline. Affected: yes.
Comment: This duplication of one nucleotide in ATM is denoted c.8655dupT at the cDNA level and p.Val2886CysfsX10 (V2886CfsX10) at the protein level. The normal sequence, with the base that is duplicated in brackets, is AACT[dupT]GTAC. The duplication causes a frameshift which changes a Valine to a Cysteine at codon 2886, and creates a premature stop codon at position 10 of the new reading frame. This variant is predicted to cause loss of normal protein function through either protein truncation or nonsense-mediated mRNA decay. ATM c.8655dupT, also described as c.8653_8654insT using alternate nomenclature, has been reported in the compound heterozygous state with an ATM nonsense variant in a child with clinical features of Ataxia-telangiectasia (Barbaro 2017). Based on currently available evidence, we consider this to be a pathogenic variant.

Department of Pathology and Laboratory Medicine, Sinai Health System
Classification: Pathogenic for Familial cancer of breast. Last evaluated: 2018-12-18. Review status: criteria provided, single submitter. Criteria: ACMG Guidelines, 2015. Collection method: clinical testing. Allele origin: germline. Affected: yes.

Baylor Genetics
Classification: Pathogenic for Ataxia-telangiectasia syndrome. Review status: criteria provided, single submitter. Criteria: ACMG Guidelines, 2015. Collection method: clinical testing. Allele origin: germline.

BRCAlab, Lund University
Classification: Pathogenic for Familial cancer of breast. Last evaluated: 2022-08-26. Review status: no assertion criteria provided. Collection method: clinical testing. Allele origin: germline. Affected: yes. Not counted in ClinVar's aggregate classification.

Department of Pathology and Laboratory Medicine, Sinai Health System
Classification: Pathogenic for Malignant tumor of breast. Review status: no assertion criteria provided. Collection method: clinical testing. Allele origin: unknown. Affected: yes. Observed: 1 variant allele. Study: The Canadian Open Genetics Repository (COGR). Not counted in ClinVar's aggregate classification.
Comment: The ATM p.Val2886Cysfs*10 variant was identified in the literature in a compound heterozygous state in a child affected with ataxia-telangiectasia (Barbaro 2016). The variant was also identified in dbSNP (ID: rs753961188) as "With Pathogenic allele" and ClinVar (classified as pathogenic by Invitae, Color and Ambry Genetics; and as likely pathogenic by GeneDx). The variant was not identified in the LOVD 3.0 database. The variant was not identified in the following control databases: the Exome Aggregation Consortium (August 8th 2016) or the Genome Aggregation Database (Feb 27, 2017). The c.8655dup variant is predicted to cause a frameshift, which alters the protein's amino acid sequence beginning at codon 2886 and leads to a premature stop codon at position 2895. This alteration is then predicted to result in a truncated or absent protein and loss of function. Loss of function variants of the ATM gene are an established mechanism of disease in ATM associated cancers and is the type of variant expected to cause the disorder. In summary, based on the above information, this variant meets our laboratoryâ€šÃ„Ã´s criteria to be classified as pathogenic.

Literature cited by the submitters: PubMed 23807571 (cited by Labcorp Genetics (formerly Invitae), Labcorp); PubMed 25614872 (cited by Labcorp Genetics (formerly Invitae), Labcorp); PubMed 27873105 (cited by 3 submitters); PubMed 29922827 (cited by Ambry Genetics); PubMed 32125938 (cited by Ambry Genetics); PubMed 32782288 (cited by Ambry Genetics and Center for Genomic Medicine, Rigshospitalet, Copenhagen University Hospital); PubMed 32885271 (cited by Ambry Genetics); PubMed 33436325 (cited by Ambry Genetics).

NM_000051.4(ATM):c.8655dup (p.Val2886fs)

Genes: ATM (ATM serine/threonine kinase; plus strand), C11orf65 (chromosome 11 open reading frame 65; minus strand). Cytogenetic location: 11q22.3.
Variant type: Duplication.
Coding change: c.8655dup on transcript NM_000051.4 (MANE Select); coding-DNA position 8655, one base duplicated (T; older notation c.8655dupT).
Protein change: p.Val2886fs; shifts the reading frame from valine 2886.
Molecular consequence: frameshift variant. On other transcripts: intron variant (2).
Genome position (GRCh38, 1-based): chr11:108,347,349, T duplicated; the last of 2 consecutive T bases (chr11:108,347,348-108,347,349); duplicating either gives the same sequence. VCF-style (leftmost placement, unchanged base first): chr11-108347347-C-CT. GRCh37 (hg19) VCF-style: chr11-108218074-C-CT.
Other names: c.8655dup, p.Val2886fs (NM_001351834.2); c.641-38277dup (NM_001330368.2); c.695-12056dup (NM_001351110.2); c.8655dupT (NM_000051.3, NM_000051.4); short protein forms V2886fs.
Identifiers: ClinVar variation 420694 (VCV000420694.51), dbSNP rs753961188, ClinGen allele CA6266402.